The following is an entry in ClinVar:

ClinVar aggregate classification (germline): Conflicting classifications of pathogenicity. Review status: criteria provided, conflicting classifications (1 of 4 stars). 2 submissions from 2 submitters: Likely pathogenic (1); Uncertain significance (1). Last evaluated 2020-07-22.

Conditions:
Early-infantile DEE. Also called: Ohtahara syndrome; Early infantile epileptic encephalopathy; Early infantile epileptic encephalopathy with suppression bursts. Identifiers: Orphanet 1934, MedGen C0393706, MONDO:0800491.

Submissions (2):

GeneDx
Classification: Likely pathogenic. Last evaluated: 2020-07-22. Review status: criteria provided, single submitter. Criteria: GeneDx Variant Classification Process June 2021. Collection method: clinical testing. Allele origin: germline. Affected: yes.
Comment: Reported in a patient with epilepsy in the published literature and at GeneDx (Lindy et al., 2018); This substitution is predicted to be within the extracellular loop between the S5 and S6 transmembrane segments of the fourth homologous domain; Missense variants in this gene are often considered pathogenic (Stenson et al., 2014); In silico analysis supports that this missense variant has a deleterious effect on protein structure/function; Not observed in large population cohorts (Lek et al., 2016); This variant is associated with the following publications: (PMID: 29655203)

Labcorp Genetics (formerly Invitae), Labcorp
Classification: Uncertain significance for Early-infantile DEE. Last evaluated: 2019-07-11. Review status: criteria provided, single submitter. Criteria: Invitae Variant Classification Sherloc (09022015). Collection method: clinical testing. Allele origin: germline.
Comment: Algorithms developed to predict the effect of sequence changes on RNA splicing suggest that this variant may create or strengthen a splice site, but this prediction has not been confirmed by published transcriptional studies. Algorithms developed to predict the effect of missense changes on protein structure and function are either unavailable or do not agree on the potential impact of this missense change (SIFT: "Deleterious"; PolyPhen-2: "Probably Damaging"; Align-GVGD: "Class C15"). This variant has been observed in an individual with epilepsy and neurodevelopmental disorder (PMID: 29655203). ClinVar contains an entry for this variant (Variation ID: 206858). This variant is not present in population databases (ExAC no frequency). This sequence change replaces phenylalanine with leucine at codon 1707 of the SCN1A protein (p.Phe1707Leu). The phenylalanine residue is highly conserved and there is a small physicochemical difference between phenylalanine and leucine. In summary, the available evidence is currently insufficient to determine the role of this variant in disease. Therefore, it has been classified as a Variant of Uncertain Significance.

Literature cited by the submitters: PubMed 29655203 (cited by Labcorp Genetics (formerly Invitae), Labcorp).

NM_001165963.4(SCN1A):c.5121T>A (p.Phe1707Leu)

Genes: SCN1A (sodium voltage-gated channel alpha subunit 1; minus strand), LOC102724058 (uncharacterized LOC102724058; plus strand). Cytogenetic location: 2q24.3.
Variant type: single nucleotide variant.
Coding change: c.5121T>A on transcript NM_001165963.4 (MANE Select); coding-DNA position 5121, T replaced by A.
Protein change: p.Phe1707Leu; replaces phenylalanine 1707 with leucine.
Molecular consequence: missense variant. On other transcripts: non-coding transcript variant (1).
Genome position (GRCh38, 1-based): chr2:165,992,154, A>T on the plus strand (T>A on the coding strand, the complement: SCN1A is on the minus strand). VCF-style: chr2-165992154-A-T. GRCh37 (hg19) VCF-style: chr2-166848664-A-T.
Other names: p.F1707L:TTT>TTA; c.5037T>A, p.Phe1679Leu (NM_001165964.3, NM_001353957.2, NM_001353958.2); c.5121T>A, p.Phe1707Leu (NM_001202435.3, NM_001353948.2); c.5088T>A, p.Phe1696Leu (NM_001353949.2, NM_001353950.2, NM_001353951.2 and 2 more transcripts); c.5085T>A, p.Phe1695Leu (NM_001353954.2, NM_001353955.2); c.5034T>A, p.Phe1678Leu (NM_001353960.2); c.2679T>A, p.Phe893Leu (NM_001353961.2); short protein forms F1696L, F1707L, F1678L, F1679L, F1695L, F893L.
Identifiers: ClinVar variation 206858 (VCV000206858.15), dbSNP rs796053033, ClinGen allele CA317577.